The following is an entry in ClinVar:

NM_000059.4(BRCA2):c.9256+2T>G

Gene: BRCA2 (BRCA2 DNA repair associated; plus strand). Cytogenetic location: 13q13.1.
Variant type: single nucleotide variant.
Coding change: c.9256+2T>G on transcript NM_000059.4 (MANE Select); the canonical splice donor site of the intron after coding-DNA position 9256, T replaced by G.
Molecular consequence: splice donor variant.
Genome position (GRCh38, 1-based): chr13:32,380,147, T>G. VCF-style: chr13-32380147-T-G. GRCh37 (hg19) VCF-style: chr13-32954284-T-G.
Other names: c.9205+2T>G (NM_001406720.1); c.9160+2T>G (NM_001406719.1); c.4324+2T>G (NM_001406721.1); c.2839+2T>G (NM_001406722.1).
Identifiers: ClinVar variation 1195173 (VCV001195173.2), dbSNP rs1555288591, ClinGen allele CA387758746.

ClinVar aggregate classification (germline): Likely pathogenic (1 of 4 stars; one submission).

Submission:

GeneDx
Classification: Likely pathogenic. Last evaluated: 2020-02-05. Review status: criteria provided, single submitter. Criteria: GeneDx Variant Classification Process June 2021. Collection method: clinical testing. Allele origin: germline. Affected: yes.
Comment: Canonical splice site variant predicted to result in a null allele in a gene for which loss-of-function is a known mechanism of disease; Not observed in large population cohorts (Lek et al., 2016); Has not been previously published as pathogenic or benign to our knowledge; Also known as 9484+2T>G